The following is an entry in ClinVar:

ClinVar aggregate classification (germline): Uncertain significance (1 of 4 stars; one submission).

Conditions:
Autosomal recessive ataxia, Beauce type. Also called: SYNE1 Deficiency; Spinocerebellar ataxia, autosomal recessive 8; ATAXIA, RECESSIVE, OF BEAUCE; SYNE1-Related Autosomal Recessive Cerebellar Ataxia. Identifiers: Orphanet 88644, MedGen C1853116, MONDO:0012549, OMIM 610743.

Submission:

Neuberg Centre For Genomic Medicine, NCGM
Classification: Uncertain significance for Autosomal recessive ataxia, Beauce type. Last evaluated: 2023-07-22. Review status: criteria provided, single submitter. Criteria: ACMG Guidelines, 2015. Collection method: clinical testing. Allele origin: germline. Inheritance: Autosomal recessive inheritance. Affected: yes.
Comment: The observed missense variant c.20132G>Tp.Ser6711Ile in the SYNE1 gene has not been reported previously as a pathogenic variant nor as a benign variant, to our knowledge. This variant is absent in the gnomAD Exomes. The amino acid Ser at position 6711 is changed to a Ile changing protein sequence and it might alter its composition and physico-chemical properties. Multiple lines of computational evidence Polyphen - Damaging, SIFT - Damaging and MutationTaster - Disease causing predict a damaging effect on protein structure and function for this variant. The residue is conserved by GERP++ and PhyloP across 100 vertebrates. For these reasons, this variant has been classified as Uncertain Significance.

NM_182961.4(SYNE1):c.20132G>T (p.Ser6711Ile)

Gene: SYNE1 (spectrin repeat containing nuclear envelope protein 1; minus strand). Cytogenetic location: 6q25.2.
Variant type: single nucleotide variant.
Coding change: c.20132G>T on transcript NM_182961.4 (MANE Select); coding-DNA position 20132, G replaced by T.
Protein change: p.Ser6711Ile; replaces serine 6711 with isoleucine.
Molecular consequence: missense variant.
Genome position (GRCh38, 1-based): chr6:152,236,884, C>A on the plus strand (G>T on the coding strand, the complement: SYNE1 is on the minus strand). VCF-style: chr6-152236884-C-A. GRCh37 (hg19) VCF-style: chr6-152558019-C-A.
Other names: c.19919G>T, p.Ser6640Ile (NM_033071.5); short protein forms S6640I, S6711I.
Identifiers: ClinVar variation 3391260 (VCV003391260.1).
Genomic context (GRCh38, chr6:152,236,884, plus strand): 5'-AGTGTTATGCGGTCAATAAGCCTGTCCTCGTTCTCCTCCACCAGACCCACGCTTGGGATG[C>A]TGCTTTCCACCACCTCCAGCTGTCTGCTGAGCTCCTGCTGGTCCTCATCCAGATGGGACC-3'
Protein context (NP_892006.3, residues 6701-6721): LSRQLEVVES[Ser6711Ile]IPSVGLVEEN